The following is an entry in ClinVar:

ClinVar aggregate classification (germline): Conflicting classifications of pathogenicity. Review status: criteria provided, conflicting classifications (1 of 4 stars). 3 submissions from 3 submitters: Uncertain significance (1); Likely benign (1). 1 of the submissions does not count toward it. Last evaluated 2025-10-29.

Conditions:
FREM2-related disorder. Also called: FREM2-related condition.
Fraser syndrome 2 (FRASRS2). Identifiers: MedGen C4540036, MONDO:0054738, OMIM 617666.

Allele frequency attached by ClinVar (database versions not stated): gnomAD exomes 0.00008 and 0.00020; ExAC 0.00009; gnomAD 0.00009 and 0.00011; TOPMed 0.00011; ESP Exome Variant Server 0.00015; 1000 Genomes Project 30x 0.00016; 1000 Genomes Project 0.00020.
gnomAD v4.1: 297 of 1,614,014 alleles (0.018%); highest among the groups gnomAD compares: Non-Finnish European, 0.025%; no homozygotes.

Submissions (3):

Labcorp Genetics (formerly Invitae), Labcorp
Classification: Likely benign. Last evaluated: 2025-10-29. Review status: criteria provided, single submitter. Criteria: Invitae Variant Classification Sherloc (09022015). Collection method: clinical testing. Allele origin: germline.

Illumina Laboratory Services, Illumina
Classification: Uncertain significance for Fraser syndrome 2. Last evaluated: 2018-01-13. Review status: criteria provided, single submitter. Criteria: ICSL Variant Classification Criteria 13 December 2019. Collection method: clinical testing. Allele origin: germline.

PreventionGenetics, part of Exact Sciences
Classification: Likely benign for FREM2-related condition. Last evaluated: 2019-05-10. Review status: no assertion criteria provided. Collection method: clinical testing. Allele origin: germline. Not counted in ClinVar's aggregate classification.
Comment: This variant is classified as likely benign based on ACMG/AMP sequence variant interpretation guidelines (Richards et al. 2015 PMID: 25741868, with internal and published modifications).

NM_207361.6(FREM2):c.4038G>A (p.Gly1346=)

Gene: FREM2 (FRAS1 related extracellular matrix 2; plus strand). Cytogenetic location: 13q13.3.
Variant type: single nucleotide variant.
Coding change: c.4038G>A on transcript NM_207361.6 (MANE Select); coding-DNA position 4038, G replaced by A.
Protein change: p.Gly1346=; no amino-acid change (glycine 1346 retained).
Molecular consequence: synonymous variant.
Genome position (GRCh38, 1-based): chr13:38,691,382, G>A. VCF-style: chr13-38691382-G-A. GRCh37 (hg19) VCF-style: chr13-39265519-G-A.
Other names: c.4038G>A (NM_207361.5).
Identifiers: ClinVar variation 311972 (VCV000311972.10), dbSNP rs139044304, ClinGen allele CA6954910.